The following is an entry in ClinVar:

NM_002439.5(MSH3):c.2655+4A>G

Gene: MSH3 (mutS homolog 3; plus strand). Cytogenetic location: 5q14.1.
Variant type: single nucleotide variant.
Coding change: c.2655+4A>G on transcript NM_002439.5 (MANE Select); 4 bases into the intron after coding-DNA position 2655, A replaced by G.
Molecular consequence: intron variant.
Genome position (GRCh38, 1-based): chr5:80,792,848, A>G. VCF-style: chr5-80792848-A-G. GRCh37 (hg19) VCF-style: chr5-80088667-A-G.
Identifiers: ClinVar variation 4842844 (VCV004842844.1).

ClinVar aggregate classification (germline): Uncertain significance (1 of 4 stars; one submission).

Conditions:
Hereditary cancer-predisposing syndrome. Also called: Neoplastic Syndromes, Hereditary; Tumor predisposition; Hereditary Cancer Syndrome; Hereditary neoplastic syndrome. Identifiers: Orphanet 140162, MedGen C0027672, MeSH D009386, MONDO:0015356.

Submission:

Ambry Genetics
Classification: Uncertain significance for Hereditary cancer-predisposing syndrome. Last evaluated: 2026-01-09. Review status: criteria provided, single submitter. Criteria: Ambry Variant Classification Scheme 2023. Collection method: clinical testing. Allele origin: germline.
Comment: The c.2655+4A>G intronic variant results from an A to G substitution 4 nucleotides after coding exon 19 in the MSH3 gene. This nucleotide position is highly conserved in available vertebrate species. In silico splice site analysis predicts that this alteration may result in the creation or strengthening of a novel splice donor site. Based on the available evidence, the clinical significance of this variant remains unclear.